The following is an entry in ClinVar:

ClinVar aggregate classification (germline): Pathogenic (1 of 4 stars; one submission).

Conditions:
Hereditary cancer-predisposing syndrome. Also called: Tumor predisposition; Neoplastic Syndromes, Hereditary; Hereditary neoplastic syndrome; Hereditary Cancer Syndrome. Identifiers: Orphanet 140162, MedGen C0027672, MeSH D009386, MONDO:0015356.

Submission:

Color Diagnostics, LLC DBA Color Health
Classification: Pathogenic for Hereditary cancer-predisposing syndrome. Last evaluated: 2021-07-29. Review status: criteria provided, single submitter. Criteria: ACMG Guidelines, 2015. Collection method: clinical testing. Allele origin: germline.
Comment: This variant inserts 2 nucleotides in exon 47 of the ATM gene, creating a frameshift and premature translation stop signal. This variant is expected to result in an absent or non-functional protein product. To our knowledge, this variant has not been reported in individuals affected with hereditary cancer in the literature. This variant has not been identified in the general population by the Genome Aggregation Database (gnomAD). Loss of ATM function is a known mechanism of disease. Based on the available evidence, this variant is classified as Pathogenic.

NM_000051.4(ATM):c.6867_6868dup (p.Glu2290fs)

Genes: ATM (ATM serine/threonine kinase; plus strand), C11orf65 (chromosome 11 open reading frame 65; minus strand). Cytogenetic location: 11q22.3.
Variant type: Duplication.
Coding change: c.6867_6868dup on transcript NM_000051.4 (MANE Select); coding-DNA positions 6867 to 6868, 2 bases duplicated (TG; older notation c.6867_6868dupTG).
Protein change: p.Glu2290fs; shifts the reading frame from glutamic acid 2290.
Molecular consequence: frameshift variant. On other transcripts: intron variant (2).
Genome position (GRCh38, 1-based): chr11:108,326,117-108,326,118, TG duplicated. VCF-style (leftmost placement, unchanged base first): chr11-108326116-C-CTG. GRCh37 (hg19) VCF-style: chr11-108196843-C-CTG.
Other names: c.6867_6868dup, p.Glu2290fs (NM_001351834.2); c.641-17047_641-17046dup (NM_001330368.2); c.*38+9102_*38+9103dup (NM_001351110.2); short protein forms E2290fs.
Identifiers: ClinVar variation 925807 (VCV000925807.5), dbSNP rs2085653871, ClinGen allele CA913188447.